The following is an entry in ClinVar:

ClinVar aggregate classification (germline): Uncertain significance (1 of 4 stars; one submission).

Conditions:
Catecholaminergic polymorphic ventricular tachycardia 1. Also called: VENTRICULAR TACHYCARDIA, STRESS-INDUCED POLYMORPHIC 1; VENTRICULAR TACHYCARDIA, CATECHOLAMINERGIC POLYMORPHIC, 1, WITH OR WITHOUT ATRIAL DYSFUNCTION AND/OR DILATED CARDIOMYOPATHY; RYR2-Related Catecholaminergic Polymorphic Ventricular Tachycardia. Identifiers: Orphanet 3286, MedGen C1631597, MONDO:0011484, OMIM 604772.

gnomAD v4.1: 1 of 1,611,874 alleles (0.000062%); highest among the groups gnomAD compares: Non-Finnish European, 0.000085%; no homozygotes.

Submission:

Labcorp Genetics (formerly Invitae), Labcorp
Classification: Uncertain significance for Catecholaminergic polymorphic ventricular tachycardia 1. Last evaluated: 2024-10-30. Review status: criteria provided, single submitter. Criteria: Invitae Variant Classification Sherloc (09022015). Collection method: clinical testing. Allele origin: germline.
Comment: This sequence change replaces aspartic acid, which is acidic and polar, with asparagine, which is neutral and polar, at codon 152 of the RYR2 protein (p.Asp152Asn). This variant is present in population databases (no rsID available, gnomAD 0.005%). This variant has not been reported in the literature in individuals affected with RYR2-related conditions. Invitae Evidence Modeling of protein sequence and biophysical properties (such as structural, functional, and spatial information, amino acid conservation, physicochemical variation, residue mobility, and thermodynamic stability) indicates that this missense variant is not expected to disrupt RYR2 protein function with a negative predictive value of 95%. In summary, the available evidence is currently insufficient to determine the role of this variant in disease. Therefore, it has been classified as a Variant of Uncertain Significance.

NM_001035.3(RYR2):c.454G>A (p.Asp152Asn)

Gene: RYR2 (ryanodine receptor 2; plus strand). Cytogenetic location: 1q43.
Variant type: single nucleotide variant.
Coding change: c.454G>A on transcript NM_001035.3 (MANE Select); coding-DNA position 454, G replaced by A.
Protein change: p.Asp152Asn; replaces aspartic acid 152 with asparagine.
Molecular consequence: missense variant.
Genome position (GRCh38, 1-based): chr1:237,374,786, G>A. VCF-style: chr1-237374786-G-A. GRCh37 (hg19) VCF-style: chr1-237538086-G-A.
Other names: short protein forms D152N.
Identifiers: ClinVar variation 3695421 (VCV003695421.2).